The following is an entry in ClinVar:

ClinVar aggregate classification (germline): Conflicting classifications of pathogenicity. Review status: criteria provided, conflicting classifications (1 of 4 stars). 3 submissions from 3 submitters: Uncertain significance (1); Likely benign (2). Last evaluated 2026-07-07.

Conditions:
FG syndrome (FGS). Identifiers: MedGen C0220769, MONDO:0002010.
MED12-Related Disorders. Also called: MED12-related condition; MED12-related disorder. Identifiers: MedGen CN381102.

Submissions (3):

PreventionGenetics, part of Exact Sciences
Classification: Likely benign for MED12-related condition. Last evaluated: 2026-07-07. Review status: criteria provided, single submitter. Criteria: ACMG Guidelines, 2015. Collection method: clinical testing. Allele origin: germline.
Comment: This variant is classified as likely benign based on ACMG/AMP sequence variant interpretation guidelines (Richards et al. 2015 PMID: 25741868, with internal and published modifications).

Labcorp Genetics (formerly Invitae), Labcorp
Classification: Uncertain significance for FG syndrome. Last evaluated: 2026-01-07. Review status: criteria provided, single submitter. Criteria: Invitae Variant Classification Sherloc (09022015). Collection method: clinical testing. Allele origin: germline.
Comment: This variant, c.6195_6200del, results in the deletion of 2 amino acid(s) of the MED12 protein (p.Gln2075_Gln2076del), but otherwise preserves the integrity of the reading frame. This variant is not present in population databases (gnomAD no frequency). This variant has not been reported in the literature in individuals affected with MED12-related conditions. Experimental studies and prediction algorithms are not available or were not evaluated, and the functional significance of this variant is currently unknown. In summary, the available evidence is currently insufficient to determine the role of this variant in disease. Therefore, it has been classified as a Variant of Uncertain Significance.

GeneDx
Classification: Likely benign. Last evaluated: 2020-11-27. Review status: criteria provided, single submitter. Criteria: GeneDx Variant Classification Process June 2021. Collection method: clinical testing. Allele origin: germline. Affected: yes.
Comment: Not observed at a significant frequency in large population cohorts (Lek et al., 2016); Has not been previously published as pathogenic or benign to our knowledge; Reported in ClinVar as a variant of uncertain significance but additional evidence is not available (ClinVar Variant ID# 578555; Landrum et al., 2016)

NM_005120.3(MED12):c.6186GCA[3] (p.Gln2075_Gln2076del)

Gene: MED12 (mediator complex subunit 12; plus strand). Cytogenetic location: Xq13.1.
Variant type: Microsatellite.
Coding change: c.6186GCA[3] on transcript NM_005120.3 (MANE Select); three copies in a row of the 3-base unit GCA starting at c.6186; the reference has five copies in a row; two copies, 6 bases deleted.
Protein change: p.Gln2075_Gln2076del.
Molecular consequence: inframe deletion.
Genome position (GRCh38, 1-based): chrX:71,140,785-71,140,790, GCAGCA deleted; deleting any 6 consecutive bases within chrX:71,140,774-71,140,790 gives the same sequence; the position shown is the placement nearest the transcript's 3' end. VCF-style (leftmost placement, unchanged base first): chrX-71140773-ACAGCAG-A. GRCh37 (hg19) VCF-style: chrX-70360623-ACAGCAG-A.
Other names: c.6195_6200del6 (NM_005120.2).
Identifiers: ClinVar variation 578555 (VCV000578555.12), dbSNP rs754533796, ClinGen allele CA516728073.